The following is an entry in ClinVar:

NM_003705.5(SLC25A12):c.526A>G (p.Met176Val)

Gene: SLC25A12 (solute carrier family 25 member 12; minus strand). Cytogenetic location: 2q31.1.
Variant type: single nucleotide variant.
Coding change: c.526A>G on transcript NM_003705.5 (MANE Select); coding-DNA position 526, A replaced by G.
Protein change: p.Met176Val; replaces methionine 176 with valine.
Molecular consequence: missense variant. On other transcripts: non-coding transcript variant (1).
Genome position (GRCh38, 1-based): chr2:171,837,207, T>C on the plus strand (A>G on the coding strand, the complement: SLC25A12 is on the minus strand). VCF-style: chr2-171837207-T-C. GRCh37 (hg19) VCF-style: chr2-172693717-T-C.
Other names: short protein forms M176V.
Identifiers: ClinVar variation 559288 (VCV000559288.6), dbSNP rs774164133, ClinGen allele CA1966359.

ClinVar aggregate classification (germline): Uncertain significance. Review status: criteria provided, single submitter (1 of 4 stars). 2 submissions from 2 submitters: Uncertain significance (1). 1 of the submissions does not count toward it. Last evaluated 2025-03-17.

Allele frequency attached by ClinVar (database versions not stated): gnomAD exomes 0.00001 and 0.00002; TOPMed 0.00001; ExAC 0.00002.

Submissions (2):

Labcorp Genetics (formerly Invitae), Labcorp
Classification: Uncertain significance. Last evaluated: 2025-03-17. Review status: criteria provided, single submitter. Criteria: Invitae Variant Classification Sherloc (09022015). Collection method: clinical testing. Allele origin: germline.
Comment: This sequence change replaces methionine, which is neutral and non-polar, with valine, which is neutral and non-polar, at codon 176 of the SLC25A12 protein (p.Met176Val). This variant is present in population databases (rs774164133, gnomAD 0.002%). This variant has not been reported in the literature in individuals affected with SLC25A12-related conditions. ClinVar contains an entry for this variant (Variation ID: 559288). Invitae Evidence Modeling of protein sequence and biophysical properties (such as structural, functional, and spatial information, amino acid conservation, physicochemical variation, residue mobility, and thermodynamic stability) indicates that this missense variant is not expected to disrupt SLC25A12 protein function with a negative predictive value of 80%. In summary, the available evidence is currently insufficient to determine the role of this variant in disease. Therefore, it has been classified as a Variant of Uncertain Significance.

Mayo Clinic Laboratories, Mayo Clinic
Classification: Uncertain significance. Last evaluated: 2016-03-08. Review status: no assertion criteria provided. Collection method: clinical testing. Allele origin: unknown. Not counted in ClinVar's aggregate classification.